The following is an entry in ClinVar:

NM_003611.3(OFD1):c.198del (p.Ser67fs)

Gene: OFD1 (OFD1 centriole and centriolar satellite protein; plus strand). Cytogenetic location: Xp22.2.
Variant type: Deletion.
Coding change: c.198del on transcript NM_003611.3 (MANE Select); coding-DNA position 198, one base deleted (G; older notation c.198delG).
Protein change: p.Ser67fs; shifts the reading frame from serine 67.
Molecular consequence: frameshift variant. On other transcripts: 5 prime UTR variant (1).
Genome position (GRCh38, 1-based): chrX:13,736,564, G deleted; the last of 3 consecutive G bases (chrX:13,736,562-13,736,564); deleting any one gives the same sequence. VCF-style (leftmost placement, unchanged base first): chrX-13736561-AG-A. GRCh37 (hg19) VCF-style: chrX-13754680-AG-A.
Other names: c.198del, p.Ser67fs (NM_001330209.2); c.-348del (NM_001330210.2); short protein forms S67fs.
Identifiers: ClinVar variation 2952218 (VCV002952218.3), dbSNP rs2518758535, ClinGen allele CA2740092012.

ClinVar aggregate classification (germline): Pathogenic (1 of 4 stars; one submission).

Conditions:
Joubert syndrome. Also called: CEREBELLOPARENCHYMAL DISORDER IV; JOUBERT-BOLTSHAUSER SYNDROME; Familial aplasia of the vermis. Identifiers: Orphanet 475, MedGen C5979921, MONDO:0018772.
Orofaciodigital syndrome I (OFD1). Also called: OFDS I; Papillon-Leage and Psaume Syndrome; Oral-Facial-Digital Syndrome Type I. Identifiers: Orphanet 2750, MedGen C1510460, MONDO:0010702, OMIM 311200.

Submission:

Labcorp Genetics (formerly Invitae), Labcorp
Classification: Pathogenic for Orofaciodigital syndrome I; Joubert syndrome. Last evaluated: 2023-09-23. Review status: criteria provided, single submitter. Criteria: Invitae Variant Classification Sherloc (09022015). Collection method: clinical testing. Allele origin: germline.
Comment: This sequence change creates a premature translational stop signal (p.Ser67Alafs*4) in the OFD1 gene. It is expected to result in an absent or disrupted protein product. Loss-of-function variants in OFD1 are known to be pathogenic (PMID: 16783569, 18546297, 27081566). This variant is not present in population databases (gnomAD no frequency). This variant has not been reported in the literature in individuals affected with OFD1-related conditions. For these reasons, this variant has been classified as Pathogenic.

Literature cited by the submitters: PubMed 16783569; PubMed 18546297; PubMed 27081566.